The following is an entry in ClinVar:

NM_001204.7(BMPR2):c.1091T>C (p.Val364Ala)

Gene: BMPR2 (bone morphogenetic protein receptor type 2; plus strand). Cytogenetic location: 2q33.2.
Variant type: single nucleotide variant.
Coding change: c.1091T>C on transcript NM_001204.7 (MANE Select); coding-DNA position 1091, T replaced by C.
Protein change: p.Val364Ala; replaces valine 364 with alanine.
Molecular consequence: missense variant.
Genome position (GRCh38, 1-based): chr2:202,530,917, T>C. VCF-style: chr2-202530917-T-C. GRCh37 (hg19) VCF-style: chr2-203395640-T-C.
Other names: short protein forms V364A.
Identifiers: ClinVar variation 4597627 (VCV004597627.1).

ClinVar aggregate classification (germline): Uncertain significance (1 of 4 stars; one submission).

Conditions:
Inborn genetic diseases. Identifiers: MedGen C0950123, MeSH D030342.

gnomAD v4.1: 1 of 1,614,136 alleles (0.000062%); highest among the groups gnomAD compares: Non-Finnish European, 0.000085%; no homozygotes.

Submission:

Ambry Genetics
Classification: Uncertain significance for Inborn genetic diseases. Last evaluated: 2025-11-03. Review status: criteria provided, single submitter. Criteria: Ambry Variant Classification Scheme 2023. Collection method: clinical testing. Allele origin: germline.
Comment: The p.V364A variant (also known as c.1091T>C), located in coding exon 8 of the BMPR2 gene, results from a T to C substitution at nucleotide position 1091. The valine at codon 364 is replaced by alanine, an amino acid with similar properties. This amino acid position is conserved. In addition, this alteration is predicted to be tolerated by in silico analysis. Based on the available evidence, the clinical significance of this variant remains unclear.